The following is an entry in ClinVar:

ClinVar aggregate classification (germline): Uncertain significance. Review status: criteria provided, multiple submitters, no conflicts (2 of 4 stars). 3 submissions from 3 submitters: Uncertain significance (3). Last evaluated 2025-11-03.

Conditions:
Sensory ataxic neuropathy, dysarthria, and ophthalmoparesis (SANDO). Also called: Ataxia Neuropathy Spectrum (ANS); SENSORY ATAXIC NEUROPATHY WITH MITOCHONDRIAL DNA DELETIONS, AUTOSOMAL RECESSIVE; Epilepsy, progressive myoclonic, type 5; Sensory ataxic neuropathy-dysarthria-ophthalmoparesis syndrome. Identifiers: Orphanet 70595, MedGen C1843851, MONDO:0011835, OMIM 607459.
Progressive external ophthalmoplegia with mitochondrial DNA deletions, autosomal recessive 1 (PEOB1). Also called: Progressive external ophthalmoplegia, autosomal recessive 1; Autosomal Recessive Progressive External Ophthalmoplegia (arPEO). Identifiers: Orphanet 254886, MedGen C4225153, MONDO:0009783, OMIM 258450.
Progressive external ophthalmoplegia with mitochondrial DNA deletions, autosomal dominant 1 (PEOA1). Also called: PROGRESSIVE EXTERNAL OPHTHALMOPLEGIA, AUTOSOMAL DOMINANT 1; Autosomal Dominant Progressive External Ophthalmoplegia (adPEO). Identifiers: MedGen C1834846, MONDO:0024528, OMIM 157640.
Progressive sclerosing poliodystrophy (MTDPS4A). Also called: ALPERS PROGRESSIVE INFANTILE POLIODYSTROPHY; Mitochondrial DNA depletion syndrome 4A (Alpers type); ALPERS DIFFUSE DEGENERATION OF CEREBRAL GRAY MATTER WITH HEPATIC CIRRHOSIS; Alpers-Huttenlocher Syndrome; Alpers-Huttenlocher Syndrome (AHS); Alpers Syndrome. Identifiers: Orphanet 726, MedGen C0205710, MONDO:0008758, OMIM 203700.
Mitochondrial DNA depletion syndrome 4b. Also called: Mitochondrial Neurogastrointestinal Encephalopathy Disease, POLG-Related; MNGIE, POLG-RELATED. Identifiers: Orphanet 298, MedGen C3150914, MONDO:0013350, OMIM 613662.

Allele frequency attached by ClinVar (database versions not stated): gnomAD exomes 0.00001; TOPMed 0.00002.
gnomAD v4.1: 3 of 1,614,122 alleles (0.00019%); highest among the groups gnomAD compares: Admixed American, 0.005%; no homozygotes.

Submissions (3):

Labcorp Genetics (formerly Invitae), Labcorp
Classification: Uncertain significance for Progressive sclerosing poliodystrophy. Last evaluated: 2025-11-03. Review status: criteria provided, single submitter. Criteria: Invitae Variant Classification Sherloc (09022015). Collection method: clinical testing. Allele origin: germline.
Comment: This sequence change replaces valine, which is neutral and non-polar, with leucine, which is neutral and non-polar, at codon 870 of the POLG protein (p.Val870Leu). This variant is present in population databases (no rsID available, gnomAD 0.009%). This variant has not been reported in the literature in individuals affected with POLG-related conditions. ClinVar contains an entry for this variant (Variation ID: 971975). Invitae Evidence Modeling of protein sequence and biophysical properties (such as structural, functional, and spatial information, amino acid conservation, physicochemical variation, residue mobility, and thermodynamic stability) indicates that this missense variant is expected to disrupt POLG protein function with a positive predictive value of 95%. In summary, the available evidence is currently insufficient to determine the role of this variant in disease. Therefore, it has been classified as a Variant of Uncertain Significance.

Fulgent Genetics
Classification: Uncertain significance for Progressive external ophthalmoplegia with mitochondrial DNA deletions, autosomal dominant 1; Progressive sclerosing poliodystrophy; Progressive external ophthalmoplegia with mitochondrial DNA deletions, autosomal recessive 1; Sensory ataxic neuropathy, dysarthria, and ophthalmoparesis; Mitochondrial DNA depletion syndrome 4b. Last evaluated: 2024-05-16. Review status: criteria provided, single submitter. Criteria: ACMG Guidelines, 2015. Collection method: clinical testing. Allele origin: germline.

Athena Diagnostics
Classification: Uncertain significance. Last evaluated: 2021-07-02. Review status: criteria provided, single submitter. Criteria: Athena Diagnostics Criteria. Collection method: clinical testing. Allele origin: unknown.

NM_002693.3(POLG):c.2608G>C (p.Val870Leu)

Gene: POLG (DNA polymerase gamma, catalytic subunit; minus strand). Cytogenetic location: 15q26.1.
Variant type: single nucleotide variant.
Coding change: c.2608G>C on transcript NM_002693.3 (MANE Select); coding-DNA position 2608, G replaced by C.
Protein change: p.Val870Leu; replaces valine 870 with leucine.
Molecular consequence: missense variant.
Genome position (GRCh38, 1-based): chr15:89,321,251, C>G on the plus strand (G>C on the coding strand, the complement: POLG is on the minus strand). VCF-style: chr15-89321251-C-G. GRCh37 (hg19) VCF-style: chr15-89864482-C-G.
Other names: c.2608G>C, p.Val870Leu (NM_001126131.2); short protein forms V870L.
Identifiers: ClinVar variation 971975 (VCV000971975.10), dbSNP rs1329611992, ClinGen allele CA393753974.